The following is an entry in ClinVar:

ClinVar aggregate classification (germline): Uncertain significance (1 of 4 stars; one submission).

Conditions:
Cardiovascular phenotype. Identifiers: MedGen CN230736.

Allele frequency attached by ClinVar (database versions not stated): gnomAD exomes below 0.00001.
gnomAD v4.1: 1 of 1,608,824 alleles (0.000062%); no homozygotes.

Submission:

Ambry Genetics
Classification: Uncertain significance for Cardiovascular phenotype. Last evaluated: 2022-12-27. Review status: criteria provided, single submitter. Criteria: Ambry Variant Classification Scheme 2023. Collection method: clinical testing. Allele origin: germline.
Comment: The c.286-3C>T intronic variant results from a C to T substitution 3 nucleotides upstream from coding exon 4 in the ANK2 gene. This nucleotide position is well conserved in available vertebrate species. In silico splice site analysis predicts that this alteration will not have any significant effect on splicing. Since supporting evidence is limited at this time, the clinical significance of this alteration remains unclear.

NM_001148.6(ANK2):c.286-3C>T

Gene: ANK2 (ankyrin 2; plus strand). Cytogenetic location: 4q25.
Variant type: single nucleotide variant.
Coding change: c.286-3C>T on transcript NM_001148.6 (MANE Select); 3 bases into the intron before coding-DNA position 286, C replaced by T.
Molecular consequence: intron variant.
Genome position (GRCh38, 1-based): chr4:113,199,008, C>T. VCF-style: chr4-113199008-C-T. GRCh37 (hg19) VCF-style: chr4-114120164-C-T.
Other names: c.274-3C>T (NM_001386186.2, NM_001386148.2, NM_001354269.3 and 1 more transcripts); c.268-3C>T (NM_001386147.1, NM_001386160.1, NM_001354261.2); c.223-3C>T (NM_001354254.2, NM_001354239.2, NM_001354252.2 and 33 more transcripts); c.331-3C>T (NM_001354241.2, NM_001386152.1, NM_001354237.2 and 5 more transcripts); c.286-3C>T (NM_001354225.2, NM_001354235.2, NM_001354246.2 and 9 more transcripts); c.337-3C>T (NM_001386174.1, NM_001386175.1).
Identifiers: ClinVar variation 2450634 (VCV002450634.2), dbSNP rs2153404819, ClinGen allele CA2578171715.